The following is an entry in ClinVar:

ClinVar aggregate classification (germline): Uncertain significance (1 of 4 stars; one submission).

Conditions:
Pitt-Hopkins-like syndrome 2 (PTHSL2). Identifiers: Orphanet 221150, Orphanet 600663, MedGen C3280479, MONDO:0013690, OMIM 614325.

Allele frequency attached by ClinVar (database versions not stated): ExAC 0.00001.

Submission:

Labcorp Genetics (formerly Invitae), Labcorp
Classification: Uncertain significance for Pitt-Hopkins-like syndrome 2. Last evaluated: 2023-01-30. Review status: criteria provided, single submitter. Criteria: Invitae Variant Classification Sherloc (09022015). Collection method: clinical testing. Allele origin: germline.
Comment: In summary, the available evidence is currently insufficient to determine the role of this variant in disease. Therefore, it has been classified as a Variant of Uncertain Significance. Algorithms developed to predict the effect of missense changes on protein structure and function (SIFT, PolyPhen-2, Align-GVGD) all suggest that this variant is likely to be tolerated. This variant has not been reported in the literature in individuals affected with NRXN1-related conditions. This variant is present in population databases (rs771674949, gnomAD 0.006%). This sequence change replaces valine, which is neutral and non-polar, with isoleucine, which is neutral and non-polar, at codon 739 of the NRXN1 protein (p.Val739Ile).

NM_001330078.2(NRXN1):c.2095G>A (p.Val699Ile)

Gene: NRXN1 (neurexin 1; minus strand). Cytogenetic location: 2p16.3.
Variant type: single nucleotide variant.
Coding change: c.2095G>A on transcript NM_001330078.2 (MANE Select); coding-DNA position 2095, G replaced by A.
Protein change: p.Val699Ile; replaces valine 699 with isoleucine.
Molecular consequence: missense variant.
Genome position (GRCh38, 1-based): chr2:50,538,301, C>T on the plus strand (G>A on the coding strand, the complement: NRXN1 is on the minus strand). VCF-style: chr2-50538301-C-T. GRCh37 (hg19) VCF-style: chr2-50765439-C-T.
Other names: c.2092G>A, p.Val698Ile (NM_001330093.2); c.2083G>A, p.Val695Ile (NM_001330094.2); c.2071G>A, p.Val691Ile (NM_001330095.2, NM_001330077.2, NM_001330082.2); c.2011G>A, p.Val671Ile (NM_001330096.2, NM_001330087.2); c.2095G>A, p.Val699Ile (NM_004801.6, NM_001330085.2, NM_001330086.2); c.2215G>A, p.Val739Ile (NM_001135659.3); c.2056G>A, p.Val686Ile (NM_001330083.2, NM_001330084.2); c.2041G>A, p.Val681Ile (NM_001330088.2); short protein forms V686I, V691I, V671I, V695I, V698I, V739I, V681I, V699I.
Identifiers: ClinVar variation 2784817 (VCV002784817.3), dbSNP rs771674949, ClinGen allele CA1654933.